The following is an entry in ClinVar:

ClinVar aggregate classification (germline): Uncertain significance. Review status: criteria provided, multiple submitters, no conflicts (2 of 4 stars). 2 submissions from 2 submitters: Uncertain significance (2). Last evaluated 2022-06-01.

Conditions:
Inborn genetic diseases. Identifiers: MedGen C0950123, MeSH D030342.

Allele frequency attached by ClinVar (database versions not stated): gnomAD exomes below 0.00001; ExAC 0.00001.
gnomAD v4.1: 1 of 1,150,884 alleles (0.000087%); highest among the groups gnomAD compares: South Asian, 0.0019%; no homozygotes.

Submissions (2):

Labcorp Genetics (formerly Invitae), Labcorp
Classification: Uncertain significance. Last evaluated: 2022-06-01. Review status: criteria provided, single submitter. Criteria: Invitae Variant Classification Sherloc (09022015). Collection method: clinical testing. Allele origin: germline.
Comment: This sequence change replaces serine, which is neutral and polar, with asparagine, which is neutral and polar, at codon 225 of the MID1 protein (p.Ser225Asn). The frequency data for this variant in the population databases is considered unreliable, as metrics indicate poor data quality at this position in the gnomAD database. This variant has not been reported in the literature in individuals affected with MID1-related conditions. Algorithms developed to predict the effect of missense changes on protein structure and function are either unavailable or do not agree on the potential impact of this missense change (SIFT: "Deleterious"; PolyPhen-2: "Benign"; Align-GVGD: "Class C45"). In summary, the available evidence is currently insufficient to determine the role of this variant in disease. Therefore, it has been classified as a Variant of Uncertain Significance.

Ambry Genetics
Classification: Uncertain significance for Inborn genetic diseases. Last evaluated: 2017-11-14. Review status: criteria provided, single submitter. Criteria: Ambry Variant Classification Scheme 2023. Collection method: clinical testing. Allele origin: germline.
Comment: The p.S225N variant (also known as c.674G>A), located in coding exon 2 of the MID1 gene, results from a G to A substitution at nucleotide position 674. The serine at codon 225 is replaced by asparagine, an amino acid with highly similar properties. This amino acid position is well conserved in available vertebrate species. In addition, this alteration is predicted to be tolerated by in silico analysis. Since supporting evidence is limited at this time, the clinical significance of this alteration remains unclear.

NM_000381.4(MID1):c.674G>A (p.Ser225Asn)

Gene: MID1 (midline 1; minus strand). Cytogenetic location: Xp22.2.
Variant type: single nucleotide variant.
Coding change: c.674G>A on transcript NM_000381.4 (MANE Select); coding-DNA position 674, G replaced by A.
Protein change: p.Ser225Asn; replaces serine 225 with asparagine.
Molecular consequence: missense variant.
Genome position (GRCh38, 1-based): chrX:10,523,174, C>T on the plus strand (G>A on the coding strand, the complement: MID1 is on the minus strand). VCF-style: chrX-10523174-C-T. GRCh37 (hg19) VCF-style: chrX-10491214-C-T.
Other names: c.674G>A, p.Ser225Asn (NM_001098624.2, NM_001193277.1, NM_001193278.1 and 3 more transcripts); c.560G>A, p.Ser187Asn (NM_001193280.1, NM_033289.2); short protein forms S225N, S187N.
Identifiers: ClinVar variation 1755236 (VCV001755236.7), dbSNP rs763101201, ClinGen allele CA10347649.